The following is an entry in ClinVar:

NM_002458.3(MUC5B):c.6626C>T (p.Thr2209Met)

Genes: MUC5B (mucin 5B, oligomeric mucus/gel-forming; plus strand), MUC5B-AS1 (MUC5B antisense RNA 1; minus strand). Cytogenetic location: 11p15.5.
Variant type: single nucleotide variant.
Coding change: c.6626C>T on transcript NM_002458.3 (MANE Select); coding-DNA position 6626, C replaced by T.
Protein change: p.Thr2209Met; replaces threonine 2209 with methionine.
Molecular consequence: missense variant.
Genome position (GRCh38, 1-based): chr11:1,243,506, C>T. VCF-style: chr11-1243506-C-T. GRCh37 (hg19) VCF-style: chr11-1264736-C-T.
Other names: c.6626C>T (NM_002458.2); short protein forms T2209M.
Identifiers: ClinVar variation 2641222 (VCV002641222.25), dbSNP rs201750183, ClinGen allele CA5806067.

ClinVar aggregate classification (germline): Conflicting classifications of pathogenicity. Review status: criteria provided, conflicting classifications (1 of 4 stars). 2 submissions from 2 submitters: Uncertain significance (1); Likely benign (1). Last evaluated 2025-08-05.

Allele frequency attached by ClinVar (database versions not stated): ESP Exome Variant Server 0.00008; gnomAD 0.00045; ExAC 0.00091; 1000 Genomes Project 0.00200; 1000 Genomes Project 30x 0.00234.
gnomAD v4.1: 456 of 1,596,306 alleles (0.029%); highest among the groups gnomAD compares: East Asian, 0.55%; 9 homozygotes.

Submissions (2):

Ambry Genetics
Classification: Uncertain significance. Last evaluated: 2025-08-05. Review status: criteria provided, single submitter. Criteria: Ambry Variant Classification Scheme 2023. Collection method: clinical testing. Allele origin: germline.

CeGaT Center for Human Genetics Tuebingen
Classification: Likely benign. Last evaluated: 2022-11-01. Review status: criteria provided, single submitter. Criteria: CeGaT Center For Human Genetics Tuebingen Variant Classification Criteria Version 2. Collection method: clinical testing. Allele origin: germline. Affected: yes. Observed: 1 variant allele.
Comment: MUC5B: BP4, BS2